The following is an entry in ClinVar:

NM_033305.3(VPS13A):c.6555T>A (p.Cys2185Ter)

Gene: VPS13A (vacuolar protein sorting 13 homolog A; plus strand). Cytogenetic location: 9q21.2.
Variant type: single nucleotide variant.
Coding change: c.6555T>A on transcript NM_033305.3 (MANE Select); coding-DNA position 6555, T replaced by A.
Protein change: p.Cys2185Ter; replaces cysteine 2185 with a stop codon.
Molecular consequence: nonsense.
Genome position (GRCh38, 1-based): chr9:77,339,692, T>A. VCF-style: chr9-77339692-T-A. GRCh37 (hg19) VCF-style: chr9-79954608-T-A.
Other names: c.6438T>A, p.Cys2146Ter (NM_001018037.2); c.6555T>A, p.Cys2185Ter (NM_001018038.3, NM_015186.4); short protein forms C2185*, C2146*.
Identifiers: ClinVar variation 2115088 (VCV002115088.4), dbSNP rs2538075794, ClinGen allele CA373850970.

ClinVar aggregate classification (germline): Pathogenic (1 of 4 stars; one submission).

Submission:

Labcorp Genetics (formerly Invitae), Labcorp
Classification: Pathogenic. Last evaluated: 2022-11-28. Review status: criteria provided, single submitter. Criteria: Invitae Variant Classification Sherloc (09022015). Collection method: clinical testing. Allele origin: germline.
Comment: This sequence change creates a premature translational stop signal (p.Cys2185*) in the VPS13A gene. It is expected to result in an absent or disrupted protein product. Loss-of-function variants in VPS13A are known to be pathogenic (PMID: 12404112, 21598378). This variant is not present in population databases (gnomAD no frequency). This variant has not been reported in the literature in individuals affected with VPS13A-related conditions. For these reasons, this variant has been classified as Pathogenic.

Literature cited by the submitters: PubMed 12404112; PubMed 21598378.